The following is an entry in ClinVar:

NM_000393.5(COL5A2):c.2291C>T (p.Pro764Leu)

Gene: COL5A2 (collagen type V alpha 2 chain; minus strand). Cytogenetic location: 2q32.2.
Variant type: single nucleotide variant.
Coding change: c.2291C>T on transcript NM_000393.5 (MANE Select); coding-DNA position 2291, C replaced by T.
Protein change: p.Pro764Leu; replaces proline 764 with leucine.
Molecular consequence: missense variant.
Genome position (GRCh38, 1-based): chr2:189,057,366, G>A on the plus strand (C>T on the coding strand, the complement: COL5A2 is on the minus strand). VCF-style: chr2-189057366-G-A. GRCh37 (hg19) VCF-style: chr2-189922092-G-A.
Other names: short protein forms P764L.
Identifiers: ClinVar variation 569471 (VCV000569471.15), dbSNP rs150260969, ClinGen allele CA2022386.

ClinVar aggregate classification (germline): Conflicting classifications of pathogenicity. Review status: criteria provided, conflicting classifications (1 of 4 stars). 4 submissions from 4 submitters: Uncertain significance (3); Benign (1). Last evaluated 2024-05-31.

Conditions:
Ehlers-Danlos syndrome, classic type, 1 (EDSCL1). Also called: Ehlers-Danlos Syndrome, Classic Type, COL5A1-Related; EHLERS-DANLOS SYNDROME, GRAVIS TYPE; EHLERS-DANLOS SYNDROME, SEVERE CLASSIC TYPE; EDS I; Ehlers-Danlos syndrome, type 1. Identifiers: MedGen C0268335, MONDO:0019567, OMIM 130000.
Familial thoracic aortic aneurysm and aortic dissection (TAAD). Also called: Thoracic aortic aneurysms and dissections. Identifiers: Orphanet 91387, MedGen C4707243, MONDO:0019625.

gnomAD v4.1: 15 of 1,608,282 alleles (0.00093%); highest among the groups gnomAD compares: East Asian, 0.0045%; no homozygotes.

Submissions (4):

Ambry Genetics
Classification: Uncertain significance for Familial thoracic aortic aneurysm and aortic dissection. Last evaluated: 2024-05-31. Review status: criteria provided, single submitter. Criteria: Ambry Variant Classification Scheme 2023. Collection method: clinical testing. Allele origin: germline.
Comment: The p.P764L variant (also known as c.2291C>T), located in coding exon 34 of the COL5A2 gene, results from a C to T substitution at nucleotide position 2291. The proline at codon 764 is replaced by leucine, an amino acid with similar properties. This amino acid position is highly conserved in available vertebrate species. In addition, this alteration is predicted to be deleterious by in silico analysis. Based on the available evidence, the clinical significance of this variant remains unclear.

Labcorp Genetics (formerly Invitae), Labcorp
Classification: Benign for Ehlers-Danlos syndrome, classic type, 1. Last evaluated: 2023-12-30. Review status: criteria provided, single submitter. Criteria: Invitae Variant Classification Sherloc (09022015). Collection method: clinical testing. Allele origin: germline.

AiLife Diagnostics
Classification: Uncertain significance. Last evaluated: 2021-08-09. Review status: criteria provided, single submitter. Criteria: ACMG Guidelines, 2015. Collection method: clinical testing. Allele origin: germline. Affected: yes. Observed: 2 variant alleles.

Blueprint Genetics
Classification: Uncertain significance. Last evaluated: 2019-12-21. Review status: criteria provided, single submitter. Criteria: ACMG Guidelines, 2015. Collection method: clinical testing. Allele origin: germline.